The following is an entry in ClinVar:

NM_001369.3(DNAH5):c.10367C>T (p.Ala3456Val)

Gene: DNAH5 (dynein axonemal heavy chain 5; minus strand). Cytogenetic location: 5p15.2.
Variant type: single nucleotide variant.
Coding change: c.10367C>T on transcript NM_001369.3 (MANE Select); coding-DNA position 10367, C replaced by T.
Protein change: p.Ala3456Val; replaces alanine 3456 with valine.
Molecular consequence: missense variant.
Genome position (GRCh38, 1-based): chr5:13,758,898, G>A on the plus strand (C>T on the coding strand, the complement: DNAH5 is on the minus strand). VCF-style: chr5-13758898-G-A. GRCh37 (hg19) VCF-style: chr5-13759007-G-A.
Other names: short protein forms A3456V.
Identifiers: ClinVar variation 407230 (VCV000407230.23), dbSNP rs149956015, ClinGen allele CA3202266.
Genomic context (GRCh38, chr5:13,758,898, plus strand): 5'-GCAGTTACCTGCTTTTCAGTCATGGCCTGTTCATACTCAGCCTGCACCACGTCAAGTTCC[G>A]CCTGCTTGTCATCCAACTCGGCCTGGGCTTTCTGCAGATCCTGCATGGCCAGGAGATGGC-3'
Protein context (NP_001360.1, residues 3446-3466): KAQAELDDKQ[Ala3456Val]ELDVVQAEYE

ClinVar aggregate classification (germline): Conflicting classifications of pathogenicity. Review status: criteria provided, conflicting classifications (1 of 4 stars). 7 submissions from 7 submitters: Uncertain significance (4); Benign (1); Likely benign (1). 1 of the submissions does not count toward it. Last evaluated 2026-01-11.

Conditions:
Primary ciliary dyskinesia. Also called: Ciliary dyskinesia. Identifiers: Orphanet 244, MedGen C0008780, MONDO:0016575, HP:0012265.
Primary ciliary dyskinesia 3. Identifiers: Orphanet 244, MedGen C1837618, MONDO:0012085, OMIM 608644.

Allele frequency attached by ClinVar (database versions not stated): ExAC 0.00046; gnomAD exomes 0.00047 and 0.00079; ESP Exome Variant Server 0.00062; gnomAD 0.00065 and 0.00070; TOPMed 0.00065.
gnomAD v4.1: 1,267 of 1,614,106 alleles (0.078%); highest among the groups gnomAD compares: Non-Finnish European, 0.094%; 1 homozygote.

Submissions (8):

Labcorp Genetics (formerly Invitae), Labcorp
Classification: Likely benign for Primary ciliary dyskinesia. Last evaluated: 2026-01-11. Review status: criteria provided, single submitter. Criteria: Invitae Variant Classification Sherloc (09022015). Collection method: clinical testing. Allele origin: germline.

GeneDx
Classification: Uncertain significance. Last evaluated: 2025-12-07. Review status: criteria provided, single submitter. Criteria: GeneDx Variant Classification Process June 2021. Collection method: clinical testing. Allele origin: germline. Affected: yes.
Comment: In silico analysis suggests that this missense variant does not alter protein structure/function; Has not been previously reported as a pathogenic or benign germline variant to our knowledge; This variant is associated with the following publications: (PMID: 31275557)

Blueprint Genetics
Classification: Uncertain significance. Last evaluated: 2024-10-17. Review status: criteria provided, single submitter. Criteria: ACMG Guidelines, 2015. Collection method: clinical testing. Allele origin: germline.

Ambry Genetics
Classification: Benign for Primary ciliary dyskinesia. Last evaluated: 2023-11-13. Review status: criteria provided, single submitter. Criteria: Ambry Variant Classification Scheme 2023. Collection method: clinical testing. Allele origin: germline.

Revvity Omics, Revvity
Classification: Uncertain significance for Primary ciliary dyskinesia 3. Last evaluated: 2021-09-20. Review status: criteria provided, single submitter. Criteria: ACMG Guidelines, 2015. Collection method: clinical testing. Allele origin: germline.

Illumina Laboratory Services, Illumina
Classification: Uncertain significance for Primary ciliary dyskinesia 3. Last evaluated: 2018-01-13. Review status: criteria provided, single submitter. Criteria: ICSL Variant Classification Criteria 13 December 2019. Collection method: clinical testing. Allele origin: germline.

Natera, Inc.
Classification: Uncertain significance for Primary ciliary dyskinesia. Last evaluated: 2020-04-20. Review status: no assertion criteria provided. Collection method: clinical testing. Allele origin: germline. Not counted in ClinVar's aggregate classification.

Dr. Peter K. Rogan Lab, Western University
No classification provided (evidence only). Condition: Uterine corpus endometrial carcinoma. Review status: no classification provided. Collection method: in vitro. Allele origin: not applicable. Functional consequence: retained intron. Not counted in ClinVar's aggregate classification.